The following is an entry in ClinVar:

NM_007294.4(BRCA1):c.879T>C (p.Thr293=)

Gene: BRCA1 (BRCA1 DNA repair associated; minus strand). Cytogenetic location: 17q21.31.
Variant type: single nucleotide variant.
Coding change: c.879T>C on transcript NM_007294.4 (MANE Select); coding-DNA position 879, T replaced by C.
Protein change: p.Thr293=; no amino-acid change (threonine 293 retained).
Molecular consequence: synonymous variant. On other transcripts: 5 prime UTR variant (2), intron variant (137).
Genome position (GRCh38, 1-based): chr17:43,094,652, A>G on the plus strand (T>C on the coding strand, the complement: BRCA1 is on the minus strand). VCF-style: chr17-43094652-A-G. GRCh37 (hg19) VCF-style: chr17-41246669-A-G.
Other names: c.666T>C, p.Thr222= (NM_001407571.1, NM_001407853.1, NM_001407894.1 and 9 more transcripts); c.879T>C, p.Thr293= (NM_001407581.1, NM_001407582.1, NM_001407583.1 and 30 more transcripts); c.876T>C, p.Thr292= (NM_001407587.1, NM_001407590.1, NM_001407591.1 and 22 more transcripts); c.870T>C, p.Thr290= (NM_001407646.1, NM_001407647.1); c.756T>C, p.Thr252= (NM_001407648.1, NM_001407664.1, NM_001407665.1 and 19 more transcripts); c.753T>C, p.Thr251= (NM_001407649.1, NM_001407670.1, NM_001407671.1 and 11 more transcripts); c.801T>C, p.Thr267= (NM_001407653.1, NM_001407654.1, NM_001407655.1 and 4 more transcripts); c.798T>C, p.Thr266= (NM_001407659.1, NM_001407660.1, NM_001407661.1 and 1 more transcripts); and 40 more.
Identifiers: ClinVar variation 1692986 (VCV001692986.3), dbSNP rs139433219, ClinGen allele CA500233323.

ClinVar aggregate classification (germline): Conflicting classifications of pathogenicity. Review status: criteria provided, conflicting classifications (1 of 4 stars). 2 submissions from 2 submitters: Uncertain significance (1); Likely benign (1). Last evaluated 2021-12-13.

Conditions:
Hereditary cancer-predisposing syndrome. Also called: Hereditary neoplastic syndrome; Tumor predisposition; Neoplastic Syndromes, Hereditary; Hereditary Cancer Syndrome. Identifiers: Orphanet 140162, MedGen C0027672, MeSH D009386, MONDO:0015356.

Submissions (2):

Ambry Genetics
Classification: Likely benign for Hereditary cancer-predisposing syndrome. Last evaluated: 2021-12-13. Review status: criteria provided, single submitter. Criteria: Ambry Variant Classification Scheme 2023. Collection method: clinical testing. Allele origin: germline.

Sema4
Classification: Uncertain significance for Hereditary cancer-predisposing syndrome. Last evaluated: 2021-09-13. Review status: criteria provided, single submitter. Criteria: Sema4 Curation Guidelines. Collection method: curation. Allele origin: germline.
Comment: The BRCA1 c.879T>C (p.T293=) variant has not been reported in the literature to our knowledge. It was not observed in the large and broad cohorts of the Genome Aggregation Database. The variant has not been reported in ClinVar. In silico tools suggest that the variant does not impact splicing, though these predictions have not been confirmed by functional studies. The evidence is insufficient to meet ACMG/AMP criteria for classifying the variant as benign or pathogenic. Thus, the clinical significance of this variant is currently uncertain.